The following is an entry in ClinVar:

ClinVar aggregate classification (germline): Uncertain significance (1 of 4 stars; one submission).

Conditions:
Hereditary cancer-predisposing syndrome. Also called: Tumor predisposition; Neoplastic Syndromes, Hereditary; Hereditary Cancer Syndrome; Hereditary neoplastic syndrome. Identifiers: Orphanet 140162, MedGen C0027672, MeSH D009386, MONDO:0015356.

Submission:

Ambry Genetics
Classification: Uncertain significance for Hereditary cancer-predisposing syndrome. Last evaluated: 2024-11-11. Review status: criteria provided, single submitter. Criteria: Ambry Variant Classification Scheme 2023. Collection method: clinical testing. Allele origin: germline.
Comment: The p.G1162V variant (also known as c.3485G>T), located in coding exon 20 of the DICER1 gene, results from a G to T substitution at nucleotide position 3485. The glycine at codon 1162 is replaced by valine, an amino acid with dissimilar properties. This amino acid position is not well conserved in available vertebrate species. In addition, this alteration is predicted to be tolerated by in silico analysis. Based on the available evidence, the clinical significance of this variant remains unclear.

NM_177438.3(DICER1):c.3485G>T (p.Gly1162Val)

Gene: DICER1 (dicer 1, ribonuclease III; minus strand). Cytogenetic location: 14q32.13.
Variant type: single nucleotide variant.
Coding change: c.3485G>T on transcript NM_177438.3 (MANE Select); coding-DNA position 3485, G replaced by T.
Protein change: p.Gly1162Val; replaces glycine 1162 with valine.
Molecular consequence: missense variant. On other transcripts: non-coding transcript variant (6).
Genome position (GRCh38, 1-based): chr14:95,103,911, C>A on the plus strand (G>T on the coding strand, the complement: DICER1 is on the minus strand). VCF-style: chr14-95103911-C-A. GRCh37 (hg19) VCF-style: chr14-95570248-C-A.
Other names: c.3485G>T, p.Gly1162Val (NM_001195573.1, NM_001271282.3, NM_001291628.2 and 12 more transcripts); c.3203G>T, p.Gly1068Val (NM_001395686.1); c.3080G>T, p.Gly1027Val (NM_001395687.1, NM_001395688.1, NM_001395689.1 and 2 more transcripts); c.2918G>T, p.Gly973Val (NM_001395691.1); c.1802G>T, p.Gly601Val (NM_001395697.1); short protein forms G1027V, G1162V, G601V, G973V, G1068V.
Identifiers: ClinVar variation 3501950 (VCV003501950.1).